The following is an entry in ClinVar:

ClinVar aggregate classification (germline): Uncertain significance (1 of 4 stars; one submission).

Conditions:
Hypoplastic left heart syndrome. Also called: Hypoplastic left heart; Hypoplastic left ventricle. Identifiers: Orphanet 2248, MedGen C0152101, MONDO:0004933, HP:0004383.

Submission:

Labcorp Genetics (formerly Invitae), Labcorp
Classification: Uncertain significance for Hypoplastic left heart syndrome. Last evaluated: 2023-08-17. Review status: criteria provided, single submitter. Criteria: Invitae Variant Classification Sherloc (09022015). Collection method: clinical testing. Allele origin: germline.
Comment: This variant is not present in population databases (gnomAD no frequency). This sequence change replaces asparagine, which is neutral and polar, with histidine, which is basic and polar, at codon 214 of the HAND1 protein (p.Asn214His). This variant has not been reported in the literature in individuals affected with HAND1-related conditions. In summary, the available evidence is currently insufficient to determine the role of this variant in disease. Therefore, it has been classified as a Variant of Uncertain Significance. An algorithm developed to predict the effect of missense changes on protein structure and function (PolyPhen-2) suggests that this variant is likely to be disruptive. ClinVar contains an entry for this variant (Variation ID: 2067824).

NM_004821.3(HAND1):c.640A>C (p.Asn214His)

Gene: HAND1 (heart and neural crest derivatives expressed 1; minus strand). Cytogenetic location: 5q33.2.
Variant type: single nucleotide variant.
Coding change: c.640A>C on transcript NM_004821.3 (MANE Select); coding-DNA position 640, A replaced by C.
Protein change: p.Asn214His; replaces asparagine 214 with histidine.
Molecular consequence: missense variant.
Genome position (GRCh38, 1-based): chr5:154,475,814, T>G on the plus strand (A>C on the coding strand, the complement: HAND1 is on the minus strand). VCF-style: chr5-154475814-T-G. GRCh37 (hg19) VCF-style: chr5-153855374-T-G.
Other names: short protein forms N214H.
Identifiers: ClinVar variation 2067824 (VCV002067824.4), dbSNP rs2532473651, ClinGen allele CA361920464.